The following is an entry in ClinVar:

ClinVar aggregate classification (germline): Uncertain significance. Review status: criteria provided, multiple submitters, no conflicts (2 of 4 stars). 2 submissions from 2 submitters: Uncertain significance (2). Last evaluated 2022-07-25.

Conditions:
Developmental and epileptic encephalopathy, 54. Also called: Epileptic encephalopathy, early infantile, 54; HNRNPU-Related Neurodevelopmental Disorder. Identifiers: MedGen C4479319, MONDO:0033363, OMIM 617391.

Allele frequency attached by ClinVar (database versions not stated): gnomAD exomes 0.00002.
gnomAD v4.1: 26 of 1,564,216 alleles (0.0017%); highest among the groups gnomAD compares: Non-Finnish European, 0.0022%; no homozygotes.

Submissions (2):

Labcorp Genetics (formerly Invitae), Labcorp
Classification: Uncertain significance for Developmental and epileptic encephalopathy, 54. Last evaluated: 2022-07-25. Review status: criteria provided, single submitter. Criteria: Invitae Variant Classification Sherloc (09022015). Collection method: clinical testing. Allele origin: germline.
Comment: Algorithms developed to predict the effect of missense changes on protein structure and function (SIFT, PolyPhen-2, Align-GVGD) all suggest that this variant is likely to be tolerated. In summary, the available evidence is currently insufficient to determine the role of this variant in disease. Therefore, it has been classified as a Variant of Uncertain Significance. ClinVar contains an entry for this variant (Variation ID: 652568). This variant has not been reported in the literature in individuals affected with HNRNPU-related conditions. This variant is not present in population databases (gnomAD no frequency). This sequence change replaces glutamine, which is neutral and polar, with glutamic acid, which is acidic and polar, at codon 208 of the HNRNPU protein (p.Gln208Glu).

Fulgent Genetics
Classification: Uncertain significance for Developmental and epileptic encephalopathy, 54. Last evaluated: 2021-07-06. Review status: criteria provided, single submitter. Criteria: ACMG Guidelines, 2015. Collection method: clinical testing. Allele origin: unknown.

NM_031844.3(HNRNPU):c.622C>G (p.Gln208Glu)

Gene: HNRNPU (heterogeneous nuclear ribonucleoprotein U; minus strand). Cytogenetic location: 1q44.
Variant type: single nucleotide variant.
Coding change: c.622C>G on transcript NM_031844.3 (MANE Select); coding-DNA position 622, C replaced by G.
Protein change: p.Gln208Glu; replaces glutamine 208 with glutamic acid.
Molecular consequence: missense variant.
Genome position (GRCh38, 1-based): chr1:244,863,686, G>C on the plus strand (C>G on the coding strand, the complement: HNRNPU is on the minus strand). VCF-style: chr1-244863686-G-C. GRCh37 (hg19) VCF-style: chr1-245026988-G-C.
Other names: c.622C>G, p.Gln208Glu (NM_004501.3); short protein forms Q208E.
Identifiers: ClinVar variation 652568 (VCV000652568.10), dbSNP rs1573337552, ClinGen allele CA345496287.